The following is an entry in ClinVar:

ClinVar aggregate classification (germline): Pathogenic (1 of 4 stars; one submission).

Conditions:
Arrhythmogenic cardiomyopathy with wooly hair and keratoderma. Also called: Arrhythmogenic cardiomyopathy with woolly hair and keratoderma; PALMOPLANTAR KERATODERMA WITH LEFT VENTRICULAR CARDIOMYOPATHY AND WOOLLY HAIR; Carvajal syndrome; Dilated cardiomyopathy with woolly hair and keratoderma. Identifiers: Orphanet 65282, MedGen C1854063, MONDO:0011581, OMIM 605676.
Arrhythmogenic right ventricular dysplasia 8 (ARVD8). Also called: Arrhythmogenic Right Ventricular Dysplasia/Cardiomyopathy 8; ARRHYTHMOGENIC RIGHT VENTRICULAR DYSPLASIA, FAMILIAL, 8; ARRHYTHMOGENIC RIGHT VENTRICULAR CARDIOMYOPATHY 8. Identifiers: MedGen C1843896, MONDO:0011831, OMIM 607450.

Submission:

Labcorp Genetics (formerly Invitae), Labcorp
Classification: Pathogenic for Arrhythmogenic cardiomyopathy with wooly hair and keratoderma; Arrhythmogenic right ventricular dysplasia 8. Last evaluated: 2025-01-19. Review status: criteria provided, single submitter. Criteria: Invitae Variant Classification Sherloc (09022015). Collection method: clinical testing. Allele origin: germline.
Comment: This sequence change creates a premature translational stop signal (p.Tyr494*) in the DSP gene. It is expected to result in an absent or disrupted protein product. Loss-of-function variants in DSP are known to be pathogenic (PMID: 20716751, 24503780, 25227139). This variant is not present in population databases (gnomAD no frequency). This variant has not been reported in the literature in individuals affected with DSP-related conditions. Algorithms developed to predict the effect of sequence changes on RNA splicing suggest that this variant may disrupt the consensus splice site. For these reasons, this variant has been classified as Pathogenic.

Literature cited by the submitters: PubMed 20716751; PubMed 24503780; PubMed 25227139.

NM_004415.4(DSP):c.1482C>A (p.Tyr494Ter)

Gene: DSP (desmoplakin; plus strand). Cytogenetic location: 6p24.3.
Variant type: single nucleotide variant.
Coding change: c.1482C>A on transcript NM_004415.4 (MANE Select); coding-DNA position 1482, C replaced by A.
Protein change: p.Tyr494Ter; replaces tyrosine 494 with a stop codon.
Molecular consequence: nonsense.
Genome position (GRCh38, 1-based): chr6:7,569,248, C>A. VCF-style: chr6-7569248-C-A. GRCh37 (hg19) VCF-style: chr6-7569481-C-A.
Other names: c.1482C>A, p.Tyr494Ter (NM_001008844.3, NM_001319034.2); short protein forms Y494*.
Identifiers: ClinVar variation 3760356 (VCV003760356.2).